The following is an entry in ClinVar:

NM_024685.4(BBS10):c.329G>A (p.Cys110Tyr)

Gene: BBS10 (Bardet-Biedl syndrome 10; minus strand). Cytogenetic location: 12q21.2.
Variant type: single nucleotide variant.
Coding change: c.329G>A on transcript NM_024685.4 (MANE Select); coding-DNA position 329, G replaced by A.
Protein change: p.Cys110Tyr; replaces cysteine 110 with tyrosine.
Molecular consequence: missense variant.
Genome position (GRCh38, 1-based): chr12:76,347,656, C>T on the plus strand (G>A on the coding strand, the complement: BBS10 is on the minus strand). VCF-style: chr12-76347656-C-T. GRCh37 (hg19) VCF-style: chr12-76741436-C-T.
Other names: short protein forms C110Y.
Identifiers: ClinVar variation 1500009 (VCV001500009.6), dbSNP rs2136091229, ClinGen allele CA385815743.
Genomic context (GRCh38, chr12:76,347,656, plus strand): 5'-GAAATAAATTTCCACCGAGAACAATTTTTCCAATGCCTTCCATGGGTTTGAATGTTTTCA[C>T]ACATCAAAGGATCCTTTTCTCTGTCTGTGATTGCATGAAGTCCTCTAAGCAAATGGCAAA-3'
Protein context (NP_078961.3, residues 100-120): ITDREKDPLM[Cys110Tyr]ENIQTHGRHW

ClinVar aggregate classification (germline): Uncertain significance (1 of 4 stars; one submission).

Conditions:
Bardet-Biedl syndrome (BBS). Identifiers: Orphanet 110, MedGen C0752166, MONDO:0015229.

Allele frequency attached by ClinVar (database versions not stated): gnomAD exomes below 0.00001.
gnomAD v4.1: 1 of 1,613,476 alleles (0.000062%); highest among the groups gnomAD compares: Non-Finnish European, 0.000085%; no homozygotes.

Submission:

Labcorp Genetics (formerly Invitae), Labcorp
Classification: Uncertain significance for Bardet-Biedl syndrome. Last evaluated: 2022-11-01. Review status: criteria provided, single submitter. Criteria: Invitae Variant Classification Sherloc (09022015). Collection method: clinical testing. Allele origin: germline.
Comment: In summary, the available evidence is currently insufficient to determine the role of this variant in disease. Therefore, it has been classified as a Variant of Uncertain Significance. Advanced modeling of protein sequence and biophysical properties (such as structural, functional, and spatial information, amino acid conservation, physicochemical variation, residue mobility, and thermodynamic stability) performed at Invitae indicates that this missense variant is not expected to disrupt BBS10 protein function. ClinVar contains an entry for this variant (Variation ID: 1500009). This variant has not been reported in the literature in individuals affected with BBS10-related conditions. This variant is not present in population databases (gnomAD no frequency). This sequence change replaces cysteine, which is neutral and slightly polar, with tyrosine, which is neutral and polar, at codon 110 of the BBS10 protein (p.Cys110Tyr).